The following is an entry in ClinVar:

ClinVar aggregate classification (germline): Conflicting classifications of pathogenicity. Review status: criteria provided, conflicting classifications (1 of 4 stars). 5 submissions from 5 submitters: Likely pathogenic (1); Uncertain significance (3). 1 of the submissions does not count toward it. Last evaluated 2025-06-01.

Conditions:
LAMA2-related muscular dystrophy (LAMA2-RD). Also called: Laminin alpha 2-related dystrophy. Identifiers: MedGen C5679788, MONDO:0100228.
Merosin deficient congenital muscular dystrophy (MDC1A). Also called: Congenital Muscular Dystrophy Type 1A (MDC1A); Congenital merosin-deficient muscular dystrophy 1A. Identifiers: Orphanet 258, MedGen C1263858, MONDO:0011925, OMIM 607855.

Allele frequency attached by ClinVar (database versions not stated): gnomAD 0.00001; TOPMed 0.00003.
gnomAD v4.1: 7 of 1,611,106 alleles (0.00043%); highest among the groups gnomAD compares: Non-Finnish European, 0.00059%; no homozygotes.

Submissions (5):

Labcorp Genetics (formerly Invitae), Labcorp
Classification: Uncertain significance for LAMA2-related muscular dystrophy. Last evaluated: 2025-06-01. Review status: criteria provided, single submitter. Criteria: Invitae Variant Classification Sherloc (09022015). Collection method: clinical testing. Allele origin: germline.
Comment: This sequence change replaces cysteine, which is neutral and slightly polar, with arginine, which is basic and polar, at codon 726 of the LAMA2 protein (p.Cys726Arg). This variant is not present in population databases (gnomAD no frequency). This missense change has been observed in individuals with LAMA2-related conditions (PMID: 26436962, 38544359; internal data). ClinVar contains an entry for this variant (Variation ID: 554082). Invitae Evidence Modeling of protein sequence and biophysical properties (such as structural, functional, and spatial information, amino acid conservation, physicochemical variation, residue mobility, and thermodynamic stability) indicates that this missense variant is not expected to disrupt LAMA2 protein function with a negative predictive value of 95%. This variant disrupts the p.Cys726 amino acid residue in LAMA2. Other variant(s) that disrupt this residue have been observed in individuals with LAMA2-related conditions (PMID: 34281576), which suggests that this may be a clinically significant amino acid residue. In summary, the available evidence is currently insufficient to determine the role of this variant in disease. Therefore, it has been classified as a Variant of Uncertain Significance.

Baylor Genetics
Classification: Likely pathogenic for Merosin deficient congenital muscular dystrophy. Last evaluated: 2024-03-08. Review status: criteria provided, single submitter. Criteria: ACMG Guidelines, 2015. Collection method: clinical testing. Allele origin: unknown.

Women's Health and Genetics/Laboratory Corporation of America, LabCorp
Classification: Uncertain significance. Last evaluated: 2023-08-03. Review status: criteria provided, single submitter. Criteria: LabCorp Variant Classification Summary - May 2015. Collection method: clinical testing. Allele origin: germline.
Comment: Variant summary: LAMA2 c.2176T>C (p.Cys726Arg) results in a non-conservative amino acid change in the encoded protein sequence. Five of five in-silico tools predict a damaging effect of the variant on protein function. The variant was absent in 251110 control chromosomes (gnomAD). c.2176T>C has been reported in the literature in at least one homozygous individual affected with Laminin Alpha 2-Related Dystrophy (Ghaoui_2015). These data indicate that the variant may be associated with disease. To our knowledge, no experimental evidence demonstrating an impact on protein function has been reported. The following publication has been ascertained in the context of this evaluation (PMID: 26436962). Three ClinVar submitters have assessed the variant since 2014, and all submitters classified the variant as uncertain significance. Based on the evidence outlined above, the variant was classified as VUS-possibly pathogenic.

Revvity Omics, Revvity
Classification: Uncertain significance. Last evaluated: 2021-12-29. Review status: criteria provided, single submitter. Criteria: ACMG Guidelines, 2015. Collection method: clinical testing. Allele origin: germline.

Counsyl
Classification: Uncertain significance for Merosin deficient congenital muscular dystrophy. Last evaluated: 2017-09-26. Review status: no assertion criteria provided. Collection method: clinical testing. Allele origin: unknown. Not counted in ClinVar's aggregate classification.

Literature cited by the submitters: PubMed 26436962 (cited by 3 submitters); PubMed 38544359 (cited by Labcorp Genetics (formerly Invitae), Labcorp); PubMed 34281576 (cited by Labcorp Genetics (formerly Invitae), Labcorp).

NM_000426.4(LAMA2):c.2176T>C (p.Cys726Arg)

Gene: LAMA2 (laminin subunit alpha 2; plus strand). Cytogenetic location: 6q22.33.
Variant type: single nucleotide variant.
Coding change: c.2176T>C on transcript NM_000426.4 (MANE Select); coding-DNA position 2176, T replaced by C.
Protein change: p.Cys726Arg; replaces cysteine 726 with arginine.
Molecular consequence: missense variant.
Genome position (GRCh38, 1-based): chr6:129,260,790, T>C. VCF-style: chr6-129260790-T-C. GRCh37 (hg19) VCF-style: chr6-129581935-T-C.
Other names: c.2176T>C, p.Cys726Arg (NM_001079823.2); short protein forms C726R.
Identifiers: ClinVar variation 554082 (VCV000554082.11), dbSNP rs920771326, ClinGen allele CA146877952.
Genomic context (GRCh38, chr6:129,260,790, plus strand): 5'-GAATCCGCTGTCTCCTATCCTACTGATGGAAGCATTGCAGCAGCTGTAGAAGTGTGTCAG[T>C]GCCCACCAGGGTATACTGGCTCCTCTTGTGAAGTAAGCTTGCAAGAATGTATCCTTAGTG-3'
Protein context (NP_000417.3, residues 716-736): SIAAAVEVCQ[Cys726Arg]PPGYTGSSCE